The following is an entry in ClinVar:

NM_022765.4(MICAL1):c.950A>G (p.Asn317Ser)

Gene: MICAL1 (microtubule associated monooxygenase, calponin and LIM domain containing 1; minus strand). Cytogenetic location: 6q21.
Variant type: single nucleotide variant.
Coding change: c.950A>G on transcript NM_022765.4 (MANE Select); coding-DNA position 950, A replaced by G.
Protein change: p.Asn317Ser; replaces asparagine 317 with serine.
Molecular consequence: missense variant. On other transcripts: intron variant (1).
Genome position (GRCh38, 1-based): chr6:109,450,541, T>C on the plus strand (A>G on the coding strand, the complement: MICAL1 is on the minus strand). VCF-style: chr6-109450541-T-C. GRCh37 (hg19) VCF-style: chr6-109771744-T-C.
Other names: c.1007A>G, p.Asn336Ser (NM_001286613.2); c.934-456A>G (NM_001159291.2); c.950A>G (NM_022765.3); short protein forms N317S, N336S.
Identifiers: ClinVar variation 1430080 (VCV001430080.14), dbSNP rs151074126, ClinGen allele CA3953541.
Genomic context (GRCh38, chr6:109,450,541, plus strand): 5'-GCTGCCCGGGTAAAGCGCTGCAGAGCCTCGGGCACCACATTGGCACTGCCCAGCAGCCGA[T>C]TGGTGTCTGGCCAGTCCTGTATGGTCAACAGAGCAGAACCTCAGAGACCTCTGAGAGCAG-3'
Protein context (NP_073602.3, residues 307-327): GVLRQDWPDT[Asn317Ser]RLLGSANVVP

ClinVar aggregate classification (germline): Conflicting classifications of pathogenicity. Review status: criteria provided, conflicting classifications (1 of 4 stars). 3 submissions from 3 submitters: Uncertain significance (2); Likely benign (1). Last evaluated 2025-12-16.

Allele frequency attached by ClinVar (database versions not stated): ESP Exome Variant Server 0.00015; gnomAD 0.00015 and 0.00016; 1000 Genomes Project 0.00020; ExAC 0.00020; TOPMed 0.00020; 1000 Genomes Project 30x 0.00031.
gnomAD v4.1: 220 of 1,610,162 alleles (0.014%); highest among the groups gnomAD compares: East Asian, 0.047%; 1 homozygote.

Submissions (3):

Labcorp Genetics (formerly Invitae), Labcorp
Classification: Uncertain significance. Last evaluated: 2025-12-16. Review status: criteria provided, single submitter. Criteria: Invitae Variant Classification Sherloc (09022015). Collection method: clinical testing. Allele origin: germline.
Comment: This sequence change replaces asparagine, which is neutral and polar, with serine, which is neutral and polar, at codon 336 of the MICAL1 protein (p.Asn336Ser). This variant is present in population databases (rs151074126, gnomAD 0.04%), and has an allele count higher than expected for a pathogenic variant. This variant has not been reported in the literature in individuals affected with MICAL1-related conditions. ClinVar contains an entry for this variant (Variation ID: 1430080). An algorithm developed to predict the effect of missense changes on protein structure and function (PolyPhen-2) suggests that this variant is likely to be tolerated. In summary, the available evidence is currently insufficient to determine the role of this variant in disease. Therefore, it has been classified as a Variant of Uncertain Significance.

CeGaT Center for Human Genetics Tuebingen
Classification: Likely benign. Last evaluated: 2025-11-01. Review status: criteria provided, single submitter. Criteria: CeGaT Center For Human Genetics Tuebingen Variant Classification Criteria Version 2. Collection method: clinical testing. Allele origin: germline. Affected: yes. Observed: 1 variant allele.
Comment: MICAL1: BP4

Ambry Genetics
Classification: Uncertain significance. Last evaluated: 2025-10-06. Review status: criteria provided, single submitter. Criteria: Ambry Variant Classification Scheme 2023. Collection method: clinical testing. Allele origin: germline.